The following is an entry in ClinVar:

ClinVar aggregate classification (germline): Pathogenic (1 of 4 stars; one submission).

Submission:

Labcorp Genetics (formerly Invitae), Labcorp
Classification: Pathogenic. Last evaluated: 2023-06-24. Review status: criteria provided, single submitter. Criteria: Invitae Variant Classification Sherloc (09022015). Collection method: clinical testing. Allele origin: germline.
Comment: For these reasons, this variant has been classified as Pathogenic. This variant has not been reported in the literature in individuals affected with TYMP-related conditions. This variant is not present in population databases (gnomAD no frequency). This sequence change creates a premature translational stop signal (p.Gly47Argfs*77) in the TYMP gene. It is expected to result in an absent or disrupted protein product. Loss-of-function variants in TYMP are known to be pathogenic (PMID: 9924029, 15781193).

Literature cited by the submitters: PubMed 9924029; PubMed 15781193.

NM_001953.5(TYMP):c.137dup (p.Gly47fs)

Gene: TYMP (thymidine phosphorylase; minus strand). Cytogenetic location: 22q13.33.
Variant type: Duplication.
Coding change: c.137dup on transcript NM_001953.5 (MANE Select); coding-DNA position 137, one base duplicated (G; older notation c.137dupG).
Protein change: p.Gly47fs; shifts the reading frame from glycine 47.
Molecular consequence: frameshift variant.
Genome position (GRCh38, 1-based): chr22:50,529,573, C duplicated on the plus strand (G on the coding strand, the reverse complement: TYMP is on the minus strand); the first of 2 consecutive C bases (chr22:50,529,573-50,529,574); duplicating either gives the same sequence. VCF-style (leftmost placement, unchanged base first): chr22-50529572-T-TC. GRCh37 (hg19) VCF-style: chr22-50968001-T-TC.
Other names: c.137dup, p.Gly47fs (NM_001113755.3, NM_001113756.3, NM_001257988.1 and 1 more transcripts); short protein forms G47fs.
Identifiers: ClinVar variation 2727009 (VCV002727009.3), dbSNP rs2522551059, ClinGen allele CA2697552821.